The following is an entry in ClinVar:

NM_001145715.3(KPNA7):c.265C>T (p.Gln89Ter)

Gene: KPNA7 (karyopherin subunit alpha 7; minus strand). Cytogenetic location: 7q22.1.
Variant type: single nucleotide variant.
Coding change: c.265C>T on transcript NM_001145715.3 (MANE Select); coding-DNA position 265, C replaced by T.
Protein change: p.Gln89Ter; replaces glutamine 89 with a stop codon.
Molecular consequence: nonsense.
Genome position (GRCh38, 1-based): chr7:99,196,103, G>A on the plus strand (C>T on the coding strand, the complement: KPNA7 is on the minus strand). VCF-style: chr7-99196103-G-A. GRCh37 (hg19) VCF-style: chr7-98793726-G-A.
Other names: short protein forms Q89*.
Identifiers: ClinVar variation 653388 (VCV000653388.4), dbSNP rs553805479, ClinGen allele CA4363278.

ClinVar aggregate classification (germline): Uncertain significance (1 of 4 stars; one submission).

Allele frequency attached by ClinVar (database versions not stated): gnomAD exomes 0.00003 and 0.00010; ExAC 0.00005; TOPMed 0.00013; 1000 Genomes Project 30x 0.00016; gnomAD 0.00017; 1000 Genomes Project 0.00020.
gnomAD v4.1: 43 of 1,551,752 alleles (0.0028%); highest among the groups gnomAD compares: Admixed American, 0.082%; no homozygotes.

Submission:

Labcorp Genetics (formerly Invitae), Labcorp
Classification: Uncertain significance. Last evaluated: 2022-08-31. Review status: criteria provided, single submitter. Criteria: Invitae Variant Classification Sherloc (09022015). Collection method: clinical testing. Allele origin: germline.
Comment: This sequence change creates a premature translational stop signal (p.Gln89*) in the KPNA7 gene. It is expected to result in an absent or disrupted protein product. However, the current clinical and genetic evidence is not sufficient to establish whether loss-of-function variants in KPNA7 cause disease. This variant is present in population databases (rs553805479, gnomAD 0.07%). This variant has not been reported in the literature in individuals affected with KPNA7-related conditions. ClinVar contains an entry for this variant (Variation ID: 653388). Algorithms developed to predict the effect of sequence changes on RNA splicing suggest that this variant may disrupt the consensus splice site. In summary, the available evidence is currently insufficient to determine the role of this variant in disease. Therefore, it has been classified as a Variant of Uncertain Significance.